The following is an entry in ClinVar:

ClinVar aggregate classification (germline): Uncertain significance (1 of 4 stars; one submission).

Conditions:
Gastrointestinal stromal tumor. Also called: Gastrointestinal stroma tumor; Gastrointestinal stromal tumor, somatic. Identifiers: Orphanet 44890, MedGen C0238198, MeSH D046152, MONDO:0011719, OMIM 606764, HP:0100723.

Submission:

Labcorp Genetics (formerly Invitae), Labcorp
Classification: Uncertain significance for Gastrointestinal stromal tumor. Last evaluated: 2022-09-01. Review status: criteria provided, single submitter. Criteria: Invitae Variant Classification Sherloc (09022015). Collection method: clinical testing. Allele origin: germline.
Comment: This sequence change replaces phenylalanine, which is neutral and non-polar, with leucine, which is neutral and non-polar, at codon 200 of the KIT protein (p.Phe200Leu). In summary, the available evidence is currently insufficient to determine the role of this variant in disease. Therefore, it has been classified as a Variant of Uncertain Significance. Algorithms developed to predict the effect of missense changes on protein structure and function output the following: SIFT: "Tolerated"; PolyPhen-2: "Benign"; Align-GVGD: "Class C0". The leucine amino acid residue is found in multiple mammalian species, which suggests that this missense change does not adversely affect protein function. ClinVar contains an entry for this variant (Variation ID: 1360097). This variant has not been reported in the literature in individuals affected with KIT-related conditions. This variant is not present in population databases (gnomAD no frequency).

NM_000222.3(KIT):c.598T>C (p.Phe200Leu)

Gene: KIT (KIT proto-oncogene, receptor tyrosine kinase; plus strand). Cytogenetic location: 4q12.
Variant type: single nucleotide variant.
Coding change: c.598T>C on transcript NM_000222.3 (MANE Select); coding-DNA position 598, T replaced by C.
Protein change: p.Phe200Leu; replaces phenylalanine 200 with leucine.
Molecular consequence: missense variant.
Genome position (GRCh38, 1-based): chr4:54,698,544, T>C. VCF-style: chr4-54698544-T-C. GRCh37 (hg19) VCF-style: chr4-55564710-T-C.
Other names: c.598T>C, p.Phe200Leu (NM_001093772.2, NM_001385284.1, NM_001385285.1 and 4 more transcripts); short protein forms F200L.
Identifiers: ClinVar variation 1360097 (VCV001360097.8), dbSNP rs2109674645, ClinGen allele CA356898083.
Genomic context (GRCh38, chr4:54,698,544, plus strand): 5'-CATCGGCTCTGTCTGCATTGTTCTGTGGACCAGGAGGGCAAGTCAGTGCTGTCGGAAAAA[T>C]TCATCCTGAAAGTGAGGCCAGGTACTGGCTCTTTCTTATCTGCCTCTGGGAGTTGAGAAC-3'
Protein context (NP_000213.1, residues 190-210): QEGKSVLSEK[Phe200Leu]ILKVRPAFKA